The following is an entry in ClinVar:

ClinVar aggregate classification (germline): Uncertain significance (1 of 4 stars; one submission).

Conditions:
Aortic aneurysm, familial thoracic 7 (AAT7). Also called: AORTIC DISSECTION, FAMILIAL, WITH OR WITHOUT AORTIC ANEURYSM. Identifiers: MedGen C3151077, MONDO:0013418, OMIM 613780.

gnomAD v4.1: 2 of 1,614,098 alleles (0.00012%); highest among the groups gnomAD compares: Non-Finnish European, 0.00017%; no homozygotes.

Submission:

Labcorp Genetics (formerly Invitae), Labcorp
Classification: Uncertain significance for Aortic aneurysm, familial thoracic 7. Last evaluated: 2024-11-08. Review status: criteria provided, single submitter. Criteria: Invitae Variant Classification Sherloc (09022015). Collection method: clinical testing. Allele origin: germline.
Comment: This sequence change replaces valine, which is neutral and non-polar, with leucine, which is neutral and non-polar, at codon 709 of the MYLK protein (p.Val709Leu). This variant is not present in population databases (gnomAD no frequency). This variant has not been reported in the literature in individuals affected with MYLK-related conditions. ClinVar contains an entry for this variant (Variation ID: 1024972). Invitae Evidence Modeling of protein sequence and biophysical properties (such as structural, functional, and spatial information, amino acid conservation, physicochemical variation, residue mobility, and thermodynamic stability) indicates that this missense variant is not expected to disrupt MYLK protein function with a negative predictive value of 80%. In summary, the available evidence is currently insufficient to determine the role of this variant in disease. Therefore, it has been classified as a Variant of Uncertain Significance.

NM_053025.4(MYLK):c.2125G>T (p.Val709Leu)

Gene: MYLK (myosin light chain kinase; minus strand). Cytogenetic location: 3q21.1.
Variant type: single nucleotide variant.
Coding change: c.2125G>T on transcript NM_053025.4 (MANE Select); coding-DNA position 2125, G replaced by T.
Protein change: p.Val709Leu; replaces valine 709 with leucine.
Molecular consequence: missense variant.
Genome position (GRCh38, 1-based): chr3:123,708,713, C>A on the plus strand (G>T on the coding strand, the complement: MYLK is on the minus strand). VCF-style: chr3-123708713-C-A. GRCh37 (hg19) VCF-style: chr3-123427560-C-A.
Other names: c.2125G>T, p.Val709Leu (NM_053027.4); c.1918G>T, p.Val640Leu (NM_053028.4, NM_053026.4); c.1597G>T, p.Val533Leu (NM_001321309.2); short protein forms V533L, V640L, V709L.
Identifiers: ClinVar variation 1024972 (VCV001024972.10), dbSNP rs112537316, ClinGen allele CA354234225.